The following is an entry in ClinVar:

NM_198578.4(LRRK2):c.6886G>A (p.Val2296Ile)

Gene: LRRK2 (leucine rich repeat kinase 2; plus strand). Cytogenetic location: 12q12.
Variant type: single nucleotide variant.
Coding change: c.6886G>A on transcript NM_198578.4 (MANE Select); coding-DNA position 6886, G replaced by A.
Protein change: p.Val2296Ile; replaces valine 2296 with isoleucine.
Molecular consequence: missense variant.
Genome position (GRCh38, 1-based): chr12:40,359,302, G>A. VCF-style: chr12-40359302-G-A. GRCh37 (hg19) VCF-style: chr12-40753104-G-A.
Other names: short protein forms V2296I.
Identifiers: ClinVar variation 1755967 (VCV001755967.3), dbSNP rs761017682, ClinGen allele CA384411469.

ClinVar aggregate classification (germline): Conflicting classifications of pathogenicity. Review status: criteria provided, conflicting classifications (1 of 4 stars). 2 submissions from 2 submitters: Uncertain significance (1); Likely benign (1). Last evaluated 2025-08-23.

Conditions:
Autosomal dominant Parkinson disease 8. Also called: LRRK2-Related Parkinson Disease; Parkinson disease 8; Parkinson disease 8, susceptibility to. Identifiers: Orphanet 411602, MedGen C1846862, MONDO:0011764, OMIM 607060.
Inborn genetic diseases. Identifiers: MedGen C0950123, MeSH D030342.

Allele frequency attached by ClinVar (database versions not stated): gnomAD exomes below 0.00001.
gnomAD v4.1: 3 of 1,612,548 alleles (0.00019%); highest among the groups gnomAD compares: South Asian, 0.0022%; no homozygotes.

Submissions (2):

Centre for Medical Genetics,  Mumbai
Classification: Likely benign for Autosomal dominant Parkinson disease 8. Last evaluated: 2025-08-23. Review status: criteria provided, single submitter. Criteria: ACMG Guidelines, 2015. Collection method: clinical testing. Allele origin: germline. Affected: no. Observed: 1 variant allele, 1 heterozygote.

Ambry Genetics
Classification: Uncertain significance for Inborn genetic diseases. Last evaluated: 2021-11-14. Review status: criteria provided, single submitter. Criteria: Ambry Variant Classification Scheme 2023. Collection method: clinical testing. Allele origin: germline.
Comment: The p.V2296I variant (also known as c.6886G>A), located in coding exon 47 of the LRRK2 gene, results from a G to A substitution at nucleotide position 6886. The valine at codon 2296 is replaced by isoleucine, an amino acid with highly similar properties. This amino acid position is conserved. In addition, this alteration is predicted to be tolerated by in silico analysis. Since supporting evidence is limited at this time, the clinical significance of this alteration remains unclear.